The following is an entry in ClinVar:

ClinVar aggregate classification (germline): Uncertain significance (1 of 4 stars; one submission).

Submission:

GeneDx
Classification: Uncertain significance. Last evaluated: 2026-04-15. Review status: criteria provided, single submitter. Criteria: GeneDx Variant Classification Process June 2021. Collection method: clinical testing. Allele origin: germline.
Comment: Not observed at significant frequency in large population cohorts (gnomAD); In silico analysis supports that this missense variant has a deleterious effect on protein structure/function; Has not been previously published as pathogenic or benign to our knowledge; In silico analysis is inconclusive as to whether the variant alters gene splicing. In the absence of RNA/functional studies, the actual effect of this sequence change is unknown.

NM_020822.3(KCNT1):c.434G>C (p.Cys145Ser)

Gene: KCNT1 (potassium sodium-activated channel subfamily T member 1; plus strand). Cytogenetic location: 9q34.3.
Variant type: single nucleotide variant.
Coding change: c.434G>C on transcript NM_020822.3 (MANE Select); coding-DNA position 434, G replaced by C.
Protein change: p.Cys145Ser; replaces cysteine 145 with serine.
Molecular consequence: missense variant.
Genome position (GRCh38, 1-based): chr9:135,751,041, G>C. VCF-style: chr9-135751041-G-C. GRCh37 (hg19) VCF-style: chr9-138642887-G-C.
Other names: c.290G>C, p.Cys97Ser (NM_001272003.2); short protein forms C145S, C97S.
Identifiers: ClinVar variation 5037095 (VCV005037095.1).